The following is an entry in ClinVar:

ClinVar aggregate classification (germline): Uncertain significance. Review status: criteria provided, multiple submitters, no conflicts (2 of 4 stars). 2 submissions from 2 submitters: Uncertain significance (2). Last evaluated 2026-03-05.

Conditions:
PCSK1-related disorder. Also called: PCSK1-related condition.

Allele frequency attached by ClinVar (database versions not stated): TOPMed 0.00001; gnomAD exomes below 0.00001; ExAC 0.00001.
gnomAD v4.1: 4 of 1,584,732 alleles (0.00025%); highest among the groups gnomAD compares: Admixed American, 0.005%; no homozygotes.

Submissions (2):

PreventionGenetics, part of Exact Sciences
Classification: Uncertain significance for PCSK1-related condition. Last evaluated: 2026-03-05. Review status: criteria provided, single submitter. Criteria: ACMG Guidelines, 2015. Collection method: clinical testing. Allele origin: germline.
Comment: The PCSK1 c.578A>G variant is predicted to result in the amino acid substitution p.Asp193Gly. This variant was observed in a cohort of individuals with obesity, and in vitro functional studies showed moderate evidence of loss of function (Supplemental Data Set, Shah et al. 2023. PubMed ID: 36864747). This variant is reported in 0.0087% of alleles in individuals of Latino descent in gnomAD. Another missense variant affecting the same amino acid position, c.577G>T, p.(Asp193Tyr), has been reported in a case-control study of obesity and functional studies revealed that the p. (Asp193Tyr) variant resulted in loss of enzymatic activity (Folon et al. 2023. PubMed ID: 36822744).Although we suspect that the p.(Asp193Gly) variant may be pathogenic, at this time, the clinical significance of this variant is uncertain due to the absence of conclusive functional and genetic evidence.

Labcorp Genetics (formerly Invitae), Labcorp
Classification: Uncertain significance. Last evaluated: 2023-09-25. Review status: criteria provided, single submitter. Criteria: Invitae Variant Classification Sherloc (09022015). Collection method: clinical testing. Allele origin: germline.
Comment: This variant is present in population databases (rs759379849, gnomAD 0.006%). This variant has not been reported in the literature in individuals affected with PCSK1-related conditions. An algorithm developed to predict the effect of missense changes on protein structure and function (PolyPhen-2) suggests that this variant is likely to be disruptive. In summary, the available evidence is currently insufficient to determine the role of this variant in disease. Therefore, it has been classified as a Variant of Uncertain Significance. This sequence change replaces aspartic acid, which is acidic and polar, with glycine, which is neutral and non-polar, at codon 193 of the PCSK1 protein (p.Asp193Gly).

NM_000439.5(PCSK1):c.578A>G (p.Asp193Gly)

Genes: CAST (calpastatin; plus strand), PCSK1 (proprotein convertase subtilisin/kexin type 1; minus strand), LOC101929710 (uncharacterized LOC101929710; plus strand). Cytogenetic location: 5q15.
Variant type: single nucleotide variant.
Coding change: c.578A>G on transcript NM_000439.5 (MANE Select); coding-DNA position 578, A replaced by G.
Protein change: p.Asp193Gly; replaces aspartic acid 193 with glycine.
Molecular consequence: missense variant. On other transcripts: intron variant (11).
Genome position (GRCh38, 1-based): chr5:96,421,922, T>C on the plus strand (A>G on the coding strand, the complement: PCSK1 is on the minus strand). VCF-style: chr5-96421922-T-C. GRCh37 (hg19) VCF-style: chr5-95757626-T-C.
Other names: c.437A>G, p.Asp146Gly (NM_001177875.2); c.-175+42270T>C (NM_001423254.1, NM_001423259.1, NM_001423255.1 and 6 more transcripts); c.-103+42270T>C (NM_001423253.1); c.-40+42270T>C (NM_001423258.1); short protein forms D146G, D193G.
Identifiers: ClinVar variation 2629249 (VCV002629249.5), dbSNP rs759379849, ClinGen allele CA3350434.